The following is an entry in ClinVar:

NM_139281.3(WDR36):c.622A>G (p.Ile208Val)

Gene: WDR36 (WD repeat domain 36; plus strand). Cytogenetic location: 5q22.1.
Variant type: single nucleotide variant.
Coding change: c.622A>G on transcript NM_139281.3 (MANE Select); coding-DNA position 622, A replaced by G.
Protein change: p.Ile208Val; replaces isoleucine 208 with valine.
Molecular consequence: missense variant.
Genome position (GRCh38, 1-based): chr5:111,103,810, A>G. VCF-style: chr5-111103810-A-G. GRCh37 (hg19) VCF-style: chr5-110439509-A-G.
Other names: short protein forms I264V, I208V.
Identifiers: ClinVar variation 262466 (VCV000262466.12), dbSNP rs11241095, ClinGen allele CA3365381.

ClinVar aggregate classification (germline): Benign. Review status: criteria provided, multiple submitters, no conflicts (2 of 4 stars). 4 submissions from 4 submitters: Benign (4). Last evaluated 2026-02-02.

Conditions:
Glaucoma 1, open angle, G (GLC1G). Identifiers: MedGen C1835933, OMIM 609887, MONDO:0012357.

Allele frequency attached by ClinVar (database versions not stated): gnomAD exomes 0.31197 and 0.32713; ESP Exome Variant Server 0.23853; TOPMed 0.24672; gnomAD 0.25248 and 0.25936; ExAC 0.31847; 1000 Genomes Project 30x 0.25422; 1000 Genomes Project 0.25739.
gnomAD v4.1: 494,030 of 1,610,358 alleles (31%); highest among the groups gnomAD compares: South Asian, 40%; 79,260 homozygotes.

Submissions (4):

Labcorp Genetics (formerly Invitae), Labcorp
Classification: Benign. Last evaluated: 2026-02-02. Review status: criteria provided, single submitter. Criteria: Invitae Variant Classification Sherloc (09022015). Collection method: clinical testing. Allele origin: germline.

Genome-Nilou Lab
Classification: Benign for Glaucoma 1, open angle, G. Last evaluated: 2021-12-05. Review status: criteria provided, single submitter. Criteria: ACMG Guidelines, 2015. Collection method: clinical testing. Allele origin: germline. Affected: no.

GeneDx
Classification: Benign. Last evaluated: 2018-07-05. Review status: criteria provided, single submitter. Criteria: GeneDx Variant Classification Process June 2021. Collection method: clinical testing. Allele origin: germline. Affected: yes.
Comment: This variant is associated with the following publications: (PMID: 19150991, 17960130, 15677485)

PreventionGenetics, part of Exact Sciences
Classification: Benign. Review status: criteria provided, single submitter. Criteria: ACMG Guidelines, 2015. Collection method: clinical testing. Allele origin: germline.